The following is an entry in ClinVar:

NM_001001563.5(TIMM50):c.469G>A (p.Val157Ile)

Gene: TIMM50 (translocase of inner mitochondrial membrane 50; plus strand). Cytogenetic location: 19q13.2.
Variant type: single nucleotide variant.
Coding change: c.469G>A on transcript NM_001001563.5 (MANE Select); coding-DNA position 469, G replaced by A.
Protein change: p.Val157Ile; replaces valine 157 with isoleucine.
Molecular consequence: missense variant.
Genome position (GRCh38, 1-based): chr19:39,485,784, G>A. VCF-style: chr19-39485784-G-A. GRCh37 (hg19) VCF-style: chr19-39976424-G-A.
Other names: c.130G>A, p.Val44Ile (NM_001329559.2); c.778G>A (NM_001001563.1); short protein forms V44I, V157I.
Identifiers: ClinVar variation 1411110 (VCV001411110.4), dbSNP rs540879597, ClinGen allele CA9431839.

ClinVar aggregate classification (germline): Uncertain significance. Review status: criteria provided, multiple submitters, no conflicts (2 of 4 stars). 2 submissions from 2 submitters: Uncertain significance (2). Last evaluated 2023-08-19.

Conditions:
Inborn genetic diseases. Identifiers: MedGen C0950123, MeSH D030342.

Allele frequency attached by ClinVar (database versions not stated): ExAC 0.00002; TOPMed 0.00003; gnomAD 0.00004; gnomAD exomes 0.00004; 1000 Genomes Project 30x 0.00016; 1000 Genomes Project 0.00020.
gnomAD v4.1: 70 of 1,614,120 alleles (0.0043%); highest among the groups gnomAD compares: Non-Finnish European, 0.0053%; no homozygotes.

Submissions (2):

Ambry Genetics
Classification: Uncertain significance for Inborn genetic diseases. Last evaluated: 2023-08-19. Review status: criteria provided, single submitter. Criteria: Ambry Variant Classification Scheme 2023. Collection method: clinical testing. Allele origin: germline.

Labcorp Genetics (formerly Invitae), Labcorp
Classification: Uncertain significance. Last evaluated: 2022-02-04. Review status: criteria provided, single submitter. Criteria: Invitae Variant Classification Sherloc (09022015). Collection method: clinical testing. Allele origin: germline.
Comment: This sequence change replaces valine, which is neutral and non-polar, with isoleucine, which is neutral and non-polar, at codon 260 of the TIMM50 protein (p.Val260Ile). This variant is present in population databases (rs540879597, gnomAD 0.007%). This variant has not been reported in the literature in individuals affected with TIMM50-related conditions. Algorithms developed to predict the effect of missense changes on protein structure and function are either unavailable or do not agree on the potential impact of this missense change (SIFT: "Not Available"; PolyPhen-2: "Benign"; Align-GVGD: "Not Available"). In summary, the available evidence is currently insufficient to determine the role of this variant in disease. Therefore, it has been classified as a Variant of Uncertain Significance.